The following is an entry in ClinVar:

NM_014956.5(CEP164):c.3392T>C (p.Leu1131Pro)

Gene: CEP164 (centrosomal protein 164; plus strand). Cytogenetic location: 11q23.3.
Variant type: single nucleotide variant.
Coding change: c.3392T>C on transcript NM_014956.5 (MANE Select); coding-DNA position 3392, T replaced by C.
Protein change: p.Leu1131Pro; replaces leucine 1131 with proline.
Molecular consequence: missense variant.
Genome position (GRCh38, 1-based): chr11:117,397,204, T>C. VCF-style: chr11-117397204-T-C. GRCh37 (hg19) VCF-style: chr11-117267920-T-C.
Other names: c.3401T>C, p.Leu1134Pro (NM_001271933.2); c.3392T>C (NM_014956.4); short protein forms L1134P, L1131P.
Identifiers: ClinVar variation 1034943 (VCV001034943.9), dbSNP rs1317065002, ClinGen allele CA382736084.

ClinVar aggregate classification (germline): Uncertain significance. Review status: criteria provided, multiple submitters, no conflicts (2 of 4 stars). 3 submissions from 3 submitters: Uncertain significance (3). Last evaluated 2025-12-03.

Conditions:
CEP164-related disorder. Also called: CEP164-related condition.
Nephronophthisis 15 (NPHP15). Identifiers: Orphanet 3156, MedGen C3541853, MONDO:0013917, OMIM 614845.

Allele frequency attached by ClinVar (database versions not stated): TOPMed 0.00003; gnomAD exomes 0.00004; gnomAD 0.00011 and 0.00012.
gnomAD v4.1: 27 of 1,614,130 alleles (0.0017%); highest among the groups gnomAD compares: Admixed American, 0.045%; no homozygotes.

Submissions (3):

PreventionGenetics, part of Exact Sciences
Classification: Uncertain significance for CEP164-related condition. Last evaluated: 2025-12-03. Review status: criteria provided, single submitter. Criteria: ACMG Guidelines, 2015. Collection method: clinical testing. Allele origin: germline.
Comment: The CEP164 c.3392T>C variant is predicted to result in the amino acid substitution p.Leu1131Pro. To our knowledge, this variant has not been reported in the literature. This variant is reported in 0.026% of alleles in individuals of Latino descent in gnomAD. At this time, the clinical significance of this variant is uncertain due to the absence of conclusive functional and genetic evidence.

Labcorp Genetics (formerly Invitae), Labcorp
Classification: Uncertain significance for Nephronophthisis 15. Last evaluated: 2020-02-18. Review status: criteria provided, single submitter. Criteria: Invitae Variant Classification Sherloc (09022015). Collection method: clinical testing. Allele origin: germline.
Comment: This sequence change replaces leucine with proline at codon 1131 of the CEP164 protein (p.Leu1131Pro). The leucine residue is highly conserved and there is a moderate physicochemical difference between leucine and proline. This variant is not present in population databases (ExAC no frequency). This variant has not been reported in the literature in individuals with CEP164-related conditions. Algorithms developed to predict the effect of missense changes on protein structure and function are either unavailable or do not agree on the potential impact of this missense change (SIFT: "Deleterious"; PolyPhen-2: "Probably Damaging"; Align-GVGD: "Class C0"). In summary, the available evidence is currently insufficient to determine the role of this variant in disease. Therefore, it has been classified as a Variant of Uncertain Significance.

Blueprint Genetics
Classification: Uncertain significance. Last evaluated: 2019-12-11. Review status: criteria provided, single submitter. Criteria: ACMG Guidelines, 2015. Collection method: clinical testing. Allele origin: germline.